The following is an entry in ClinVar:

ClinVar aggregate classification (germline): Uncertain significance. Review status: criteria provided, multiple submitters, no conflicts (2 of 4 stars). 3 submissions from 3 submitters: Uncertain significance (2). 1 of the submissions does not count toward it. Last evaluated 2026-09-01.

Conditions:
AARS1-related disorder. Also called: AARS1-related condition.
Inborn genetic diseases. Identifiers: MedGen C0950123, MeSH D030342.
Charcot-Marie-Tooth disease type 2. Also called: Charcot-Marie-Tooth type 2. Identifiers: Orphanet 64746, MedGen C0270914, MONDO:0018993.

Allele frequency attached by ClinVar (database versions not stated): gnomAD exomes below 0.00001; gnomAD 0.00001; TOPMed 0.00002.
gnomAD v4.1: 5 of 1,614,100 alleles (0.00031%); highest among the groups gnomAD compares: African/African-American, 0.0067%; no homozygotes.

Submissions (3):

Ambry Genetics
Classification: Uncertain significance for Inborn genetic diseases. Last evaluated: 2026-09-01. Review status: criteria provided, single submitter. Criteria: Ambry Variant Classification Scheme 2023. Collection method: clinical testing. Allele origin: germline.

Labcorp Genetics (formerly Invitae), Labcorp
Classification: Uncertain significance for Charcot-Marie-Tooth disease type 2. Last evaluated: 2023-01-15. Review status: criteria provided, single submitter. Criteria: Invitae Variant Classification Sherloc (09022015). Collection method: clinical testing. Allele origin: germline.
Comment: This sequence change replaces isoleucine, which is neutral and non-polar, with phenylalanine, which is neutral and non-polar, at codon 542 of the AARS protein (p.Ile542Phe). This variant is present in population databases (no rsID available, gnomAD 0.007%). This variant has not been reported in the literature in individuals affected with AARS-related conditions. ClinVar contains an entry for this variant (Variation ID: 576126). Advanced modeling of protein sequence and biophysical properties (such as structural, functional, and spatial information, amino acid conservation, physicochemical variation, residue mobility, and thermodynamic stability) has been performed at Invitae for this missense variant, however the output from this modeling did not meet the statistical confidence thresholds required to predict the impact of this variant on AARS protein function. In summary, the available evidence is currently insufficient to determine the role of this variant in disease. Therefore, it has been classified as a Variant of Uncertain Significance.

PreventionGenetics, part of Exact Sciences
Classification: Uncertain significance for AARS1-related condition. Last evaluated: 2024-05-30. Review status: no assertion criteria provided. Collection method: clinical testing. Allele origin: germline. Not counted in ClinVar's aggregate classification.
Comment: The AARS1 c.1624A>T variant is predicted to result in the amino acid substitution p.Ile542Phe. To our knowledge, this variant has not been reported in the literature. This variant is reported in 0.0062% of alleles in individuals of African descent in gnomAD. At this time, the clinical significance of this variant is uncertain due to the absence of conclusive functional and genetic evidence.

NM_001605.3(AARS1):c.1624A>T (p.Ile542Phe)

Gene: AARS1 (alanyl-tRNA synthetase 1; minus strand). Cytogenetic location: 16q22.1.
Variant type: single nucleotide variant.
Coding change: c.1624A>T on transcript NM_001605.3 (MANE Select); coding-DNA position 1624, A replaced by T.
Protein change: p.Ile542Phe; replaces isoleucine 542 with phenylalanine.
Molecular consequence: missense variant.
Genome position (GRCh38, 1-based): chr16:70,262,393, T>A on the plus strand (A>T on the coding strand, the complement: AARS1 is on the minus strand). VCF-style: chr16-70262393-T-A. GRCh37 (hg19) VCF-style: chr16-70296296-T-A.
Other names: short protein forms I542F.
Identifiers: ClinVar variation 576126 (VCV000576126.10), dbSNP rs572187967, ClinGen allele CA396559985.